The following is an entry in ClinVar:

NM_006915.3(RP2):c.1013A>C (p.Asp338Ala)

Gene: RP2 (RP2 activator of ARL3 GTPase; plus strand). Cytogenetic location: Xp11.3.
Variant type: single nucleotide variant.
Coding change: c.1013A>C on transcript NM_006915.3 (MANE Select); coding-DNA position 1013, A replaced by C.
Protein change: p.Asp338Ala; replaces aspartic acid 338 with alanine.
Molecular consequence: missense variant.
Genome position (GRCh38, 1-based): chrX:46,879,729, A>C. VCF-style: chrX-46879729-A-C. GRCh37 (hg19) VCF-style: chrX-46739164-A-C.
Other names: short protein forms D338A.
Identifiers: ClinVar variation 1035974 (VCV001035974.10), dbSNP rs914557102, ClinGen allele CA329692701.

ClinVar aggregate classification (germline): Uncertain significance (1 of 4 stars; one submission).

Allele frequency attached by ClinVar (database versions not stated): gnomAD 0.00001; gnomAD exomes 0.00001; TOPMed 0.00001.
gnomAD v4.1: 14 of 1,198,527 alleles (0.0012%); highest among the groups gnomAD compares: African/African-American, 0.0018%; no homozygotes.

Submission:

Labcorp Genetics (formerly Invitae), Labcorp
Classification: Uncertain significance. Last evaluated: 2022-10-05. Review status: criteria provided, single submitter. Criteria: Invitae Variant Classification Sherloc (09022015). Collection method: clinical testing. Allele origin: germline.
Comment: This sequence change replaces aspartic acid, which is acidic and polar, with alanine, which is neutral and non-polar, at codon 338 of the RP2 protein (p.Asp338Ala). This variant is present in population databases (no rsID available, gnomAD 0.001%). This variant has not been reported in the literature in individuals affected with RP2-related conditions. ClinVar contains an entry for this variant (Variation ID: 1035974). Advanced modeling of protein sequence and biophysical properties (such as structural, functional, and spatial information, amino acid conservation, physicochemical variation, residue mobility, and thermodynamic stability) has been performed at Invitae for this missense variant, however the output from this modeling did not meet the statistical confidence thresholds required to predict the impact of this variant on RP2 protein function. In summary, the available evidence is currently insufficient to determine the role of this variant in disease. Therefore, it has been classified as a Variant of Uncertain Significance.